The following is an entry in ClinVar:

NM_004208.4(AIFM1):c.350C>T (p.Ala117Val)

Genes: AIFM1 (apoptosis inducing factor mitochondria associated 1; minus strand), RAB33A (RAB33A, member RAS oncogene family; plus strand). Cytogenetic location: Xq26.1.
Variant type: single nucleotide variant.
Coding change: c.350C>T on transcript NM_004208.4 (MANE Select); coding-DNA position 350, C replaced by T.
Protein change: p.Ala117Val; replaces alanine 117 with valine.
Molecular consequence: missense variant. On other transcripts: non-coding transcript variant (1).
Genome position (GRCh38, 1-based): chrX:130,147,876, G>A on the plus strand (C>T on the coding strand, the complement: AIFM1 is on the minus strand). VCF-style: chrX-130147876-G-A. GRCh37 (hg19) VCF-style: chrX-129281851-G-A.
Other names: c.350C>T, p.Ala117Val (NM_001130847.4); c.338C>T, p.Ala113Val (NM_145812.3); short protein forms A113V, A117V.
Identifiers: ClinVar variation 647178 (VCV000647178.12), dbSNP rs145943366, ClinGen allele CA335123077.

ClinVar aggregate classification (germline): Uncertain significance. Review status: criteria provided, multiple submitters, no conflicts (2 of 4 stars). 2 submissions from 2 submitters: Uncertain significance (2). Last evaluated 2025-05-11.

Conditions:
Inborn genetic diseases. Identifiers: MedGen C0950123, MeSH D030342.
Charcot-Marie-Tooth Neuropathy X. Identifiers: MedGen CN118851.
Combined oxidative phosphorylation deficiency. Identifiers: MedGen C4540031, MONDO:0000732.

Allele frequency attached by ClinVar (database versions not stated): gnomAD 0.00001; TOPMed below 0.00001; gnomAD exomes 0.00001; ESP Exome Variant Server 0.00009.
gnomAD v4.1: 8 of 1,209,978 alleles (0.00066%); highest among the groups gnomAD compares: Non-Finnish European, 0.00089%; no homozygotes.

Submissions (2):

Labcorp Genetics (formerly Invitae), Labcorp
Classification: Uncertain significance for Charcot-Marie-Tooth Neuropathy X; Combined oxidative phosphorylation deficiency. Last evaluated: 2025-05-11. Review status: criteria provided, single submitter. Criteria: Invitae Variant Classification Sherloc (09022015). Collection method: clinical testing. Allele origin: germline.
Comment: This sequence change replaces alanine, which is neutral and non-polar, with valine, which is neutral and non-polar, at codon 117 of the AIFM1 protein (p.Ala117Val). This variant is not present in population databases (gnomAD no frequency). This variant has not been reported in the literature in individuals affected with AIFM1-related conditions. ClinVar contains an entry for this variant (Variation ID: 647178). An algorithm developed to predict the effect of missense changes on protein structure and function outputs the following: PolyPhen-2: "Benign". The valine amino acid residue is found in multiple mammalian species, which suggests that this missense change does not adversely affect protein function. In summary, the available evidence is currently insufficient to determine the role of this variant in disease. Therefore, it has been classified as a Variant of Uncertain Significance.

Ambry Genetics
Classification: Uncertain significance for Inborn genetic diseases. Last evaluated: 2020-10-12. Review status: criteria provided, single submitter. Criteria: Ambry Variant Classification Scheme 2023. Collection method: clinical testing. Allele origin: germline.
Comment: The p.A117V variant (also known as c.350C>T) is located in coding exon 4 of the AIFM1 gene. The alanine at codon 117 is replaced by valine, an amino acid with similar properties. This change occurs in the first base pair of coding exon 4. Based on data from gnomAD, this allele has an overall frequency of 0.0005% (1/181594) total alleles studied, with 0 hemizygotes observed. This amino acid position is well conserved in available vertebrate species. In addition, as a missense substitution this alteration is predicted to be tolerated by in silico analysis. Since supporting evidence is limited at this time, the clinical significance of this alteration remains unclear.